The following is an entry in ClinVar:

ClinVar aggregate classification (germline): Uncertain significance (1 of 4 stars; one submission).

Conditions:
Myofibrillar myopathy 4. Also called: Zaspopathy (type). Identifiers: Orphanet 98912, MedGen C4721886, MONDO:0012277, OMIM 609452.

Submission:

Labcorp Genetics (formerly Invitae), Labcorp
Classification: Uncertain significance for Myofibrillar myopathy 4. Last evaluated: 2024-01-22. Review status: criteria provided, single submitter. Criteria: Invitae Variant Classification Sherloc (09022015). Collection method: clinical testing. Allele origin: germline.
Comment: This sequence change falls in intron 6 of the LDB3 gene. It does not directly change the encoded amino acid sequence of the LDB3 protein. This variant is not present in population databases (gnomAD no frequency). This variant has not been reported in the literature in individuals affected with LDB3-related conditions. Algorithms developed to predict the effect of sequence changes on RNA splicing suggest that this variant may disrupt the consensus splice site. In summary, the available evidence is currently insufficient to determine the role of this variant in disease. Therefore, it has been classified as a Variant of Uncertain Significance.

NM_007078.3(LDB3):c.860-6C>G

Gene: LDB3 (LIM domain binding 3; plus strand). Cytogenetic location: 10q23.2.
Variant type: single nucleotide variant.
Coding change: c.860-6C>G on transcript NM_007078.3 (MANE Select); 6 bases into the intron before coding-DNA position 860, C replaced by G.
Molecular consequence: intron variant.
Genome position (GRCh38, 1-based): chr10:86,692,529, C>G. VCF-style: chr10-86692529-C-G. GRCh37 (hg19) VCF-style: chr10-88452286-C-G.
Other names: c.860-6C>G (NM_001368064.1, NM_001368063.1, NM_001368065.1 and 1 more transcripts); c.719-6C>G (NM_001368068.1, NM_001368066.1, NM_001080114.2 and 2 more transcripts); c.1064-6C>G (NM_001171610.2, NM_001171611.2).
Identifiers: ClinVar variation 2710730 (VCV002710730.3), dbSNP rs1367719334, ClinGen allele CA2574455234.